The following is an entry in ClinVar:

NM_001267550.2(TTN):c.86463A>G (p.Gly28821=)

Genes: TTN-AS1 (TTN antisense RNA 1; plus strand), TTN (titin; minus strand). Cytogenetic location: 2q31.2.
Variant type: single nucleotide variant.
Coding change: c.86463A>G on transcript NM_001267550.2 (MANE Select); coding-DNA position 86463, A replaced by G.
Protein change: p.Gly28821=; no amino-acid change (glycine 28821 retained).
Molecular consequence: synonymous variant.
Genome position (GRCh38, 1-based): chr2:178,559,669, T>C on the plus strand (A>G on the coding strand, the complement: TTN is on the minus strand). VCF-style: chr2-178559669-T-C. GRCh37 (hg19) VCF-style: chr2-179424396-T-C.
Other names: c.81540A>G, p.Gly27180= (NM_001256850.1); c.59268A>G, p.Gly19756= (NM_003319.4); c.78759A>G, p.Gly26253= (NM_133378.4); c.59643A>G, p.Gly19881= (NM_133432.3); c.59844A>G, p.Gly19948= (NM_133437.4).
Identifiers: ClinVar variation 514532 (VCV000514532.25), dbSNP rs368268066, ClinGen allele CA1988496.

ClinVar aggregate classification (germline): Likely benign. Review status: criteria provided, multiple submitters, no conflicts (2 of 4 stars). 10 submissions from 10 submitters: Likely benign (3). 7 of the submissions do not count toward it. Last evaluated 2025-12-13.

Conditions:
Cardiovascular phenotype. Identifiers: MedGen CN230736.
Autosomal recessive limb-girdle muscular dystrophy type 2J (LGMDR10). Also called: MUSCULAR DYSTROPHY, LIMB-GIRDLE, AUTOSOMAL RECESSIVE 10; Limb-girdle muscular dystrophy, type 2J. Identifiers: Orphanet 140922, MedGen C1837342, MONDO:0012127, OMIM 608807.
Dilated cardiomyopathy 1G (CMD1G). Identifiers: Orphanet 154, MedGen C1858763, MONDO:0011400, OMIM 604145.
TTN-related disorder. Also called: TTN-related condition; TTN-related disease; TTN-related disorders.

Allele frequency attached by ClinVar (database versions not stated): TOPMed 0.00004; ExAC 0.00005; gnomAD exomes 0.00005 and 0.00007; gnomAD 0.00006 and 0.00007; ESP Exome Variant Server 0.00008.
gnomAD v4.1: 109 of 1,612,058 alleles (0.0068%); highest among the groups gnomAD compares: Non-Finnish European, 0.0091%; no homozygotes.

Submissions (10):

Labcorp Genetics (formerly Invitae), Labcorp
Classification: Likely benign for Dilated cardiomyopathy 1G; Autosomal recessive limb-girdle muscular dystrophy type 2J. Last evaluated: 2025-12-13. Review status: criteria provided, single submitter. Criteria: Invitae Variant Classification Sherloc (09022015). Collection method: clinical testing. Allele origin: germline.

Ambry Genetics
Classification: Likely benign for Cardiovascular phenotype. Last evaluated: 2022-09-05. Review status: criteria provided, single submitter. Criteria: Ambry Variant Classification Scheme 2023. Collection method: clinical testing. Allele origin: germline.

GeneDx
Classification: Likely benign. Last evaluated: 2018-01-03. Review status: criteria provided, single submitter. Criteria: GeneDx Variant Classification (06012015). Collection method: clinical testing. Allele origin: germline. Affected: yes.
Comment: This variant is considered likely benign or benign based on one or more of the following criteria: it is a conservative change, it occurs at a poorly conserved position in the protein, it is predicted to be benign by multiple in silico algorithms, and/or has population frequency not consistent with disease.

PreventionGenetics, part of Exact Sciences
Classification: Likely benign for TTN-related condition. Last evaluated: 2020-11-20. Review status: no assertion criteria provided. Collection method: clinical testing. Allele origin: germline. Not counted in ClinVar's aggregate classification.
Comment: This variant is classified as likely benign based on ACMG/AMP sequence variant interpretation guidelines (Richards et al. 2015 PMID: 25741868, with internal and published modifications).

Clinical Genetics DNA and cytogenetics Diagnostics Lab, Erasmus MC, Erasmus Medical Center
Classification: Likely benign. Review status: no assertion criteria provided. Collection method: clinical testing. Allele origin: germline. Affected: yes. Study: VKGL Data-share Consensus. Not counted in ClinVar's aggregate classification.

Clinical Genetics, Academic Medical Center
Classification: Benign. Review status: no assertion criteria provided. Collection method: clinical testing. Allele origin: germline. Affected: yes. Study: VKGL Data-share Consensus. Not counted in ClinVar's aggregate classification.

Diagnostic Laboratory, Department of Genetics, University Medical Center Groningen
Classification: Likely benign. Review status: no assertion criteria provided. Collection method: clinical testing. Allele origin: germline. Affected: yes. Study: VKGL Data-share Consensus. Not counted in ClinVar's aggregate classification.

Genome Diagnostics Laboratory, University Medical Center Utrecht
Classification: Likely benign. Review status: no assertion criteria provided. Collection method: clinical testing. Allele origin: germline. Affected: yes. Study: VKGL Data-share Consensus. Not counted in ClinVar's aggregate classification.

Joint Genome Diagnostic Labs from Nijmegen and Maastricht, Radboudumc and MUMC+
Classification: Likely benign. Review status: no assertion criteria provided. Collection method: clinical testing. Allele origin: germline. Affected: yes. Study: VKGL Data-share Consensus. Not counted in ClinVar's aggregate classification.

Laboratory of Diagnostic Genome Analysis, Leiden University Medical Center (LUMC)
Classification: Likely benign. Review status: no assertion criteria provided. Collection method: clinical testing. Allele origin: germline. Affected: yes. Study: VKGL Data-share Consensus. Not counted in ClinVar's aggregate classification.